The following is an entry in ClinVar:

ClinVar aggregate classification (germline): Uncertain significance (1 of 4 stars; one submission).

Submission:

Labcorp Genetics (formerly Invitae), Labcorp
Classification: Uncertain significance. Last evaluated: 2023-03-02. Review status: criteria provided, single submitter. Criteria: Invitae Variant Classification Sherloc (09022015). Collection method: clinical testing. Allele origin: germline.
Comment: In summary, the available evidence is currently insufficient to determine the role of this variant in disease. Therefore, it has been classified as a Variant of Uncertain Significance. Advanced modeling of protein sequence and biophysical properties (such as structural, functional, and spatial information, amino acid conservation, physicochemical variation, residue mobility, and thermodynamic stability) performed at Invitae indicates that this missense variant is not expected to disrupt SAMD9L protein function. This variant has not been reported in the literature in individuals affected with SAMD9L-related conditions. This variant is not present in population databases (gnomAD no frequency). This sequence change replaces phenylalanine, which is neutral and non-polar, with leucine, which is neutral and non-polar, at codon 1434 of the SAMD9L protein (p.Phe1434Leu).

NM_152703.5(SAMD9L):c.4302C>G (p.Phe1434Leu)

Gene: SAMD9L (sterile alpha motif domain containing 9 like; minus strand). Cytogenetic location: 7q21.2.
Variant type: single nucleotide variant.
Coding change: c.4302C>G on transcript NM_152703.5 (MANE Select); coding-DNA position 4302, C replaced by G.
Protein change: p.Phe1434Leu; replaces phenylalanine 1434 with leucine.
Molecular consequence: missense variant.
Genome position (GRCh38, 1-based): chr7:93,131,670, G>C on the plus strand (C>G on the coding strand, the complement: SAMD9L is on the minus strand). VCF-style: chr7-93131670-G-C. GRCh37 (hg19) VCF-style: chr7-92760983-G-C.
Other names: c.4302C>G, p.Phe1434Leu (NM_001303496.3, NM_001303497.3, NM_001303498.3 and 5 more transcripts); short protein forms F1434L.
Identifiers: ClinVar variation 2842171 (VCV002842171.3), dbSNP rs2535404286, ClinGen allele CA368174666.